The following is an entry in ClinVar:

NM_006218.4(PIK3CA):c.1372C>G (p.Pro458Ala)

Gene: PIK3CA (phosphatidylinositol-4,5-bisphosphate 3-kinase catalytic subunit alpha; plus strand). Cytogenetic location: 3q26.32.
Variant type: single nucleotide variant.
Coding change: c.1372C>G on transcript NM_006218.4 (MANE Select); coding-DNA position 1372, C replaced by G.
Protein change: p.Pro458Ala; replaces proline 458 with alanine.
Molecular consequence: missense variant.
Genome position (GRCh38, 1-based): chr3:179,210,306, C>G. VCF-style: chr3-179210306-C-G. GRCh37 (hg19) VCF-style: chr3-178928094-C-G.
Other names: short protein forms P458A.
Identifiers: ClinVar variation 1771071 (VCV001771071.2), dbSNP rs2108400726, ClinGen allele CA355262013.

ClinVar aggregate classification (germline): Uncertain significance (1 of 4 stars; one submission).

Conditions:
Inborn genetic diseases. Identifiers: MedGen C0950123, MeSH D030342.

Submission:

Ambry Genetics
Classification: Uncertain significance for Inborn genetic diseases. Last evaluated: 2022-10-22. Review status: criteria provided, single submitter. Criteria: Ambry Variant Classification Scheme 2023. Collection method: clinical testing. Allele origin: germline.
Comment: The p.P458A variant (also known as c.1372C>G), located in coding exon 7 of the PIK3CA gene, results from a C to G substitution at nucleotide position 1372. The proline at codon 458 is replaced by alanine, an amino acid with highly similar properties. This amino acid position is conserved. In addition, the in silico prediction for this alteration is inconclusive. Since supporting evidence is limited at this time, the clinical significance of this alteration remains unclear.